The following is an entry in ClinVar:

NM_018263.6(ASXL2):c.3162C>T (p.Tyr1054=)

Gene: ASXL2 (ASXL transcriptional regulator 2; minus strand). Cytogenetic location: 2p23.3.
Variant type: single nucleotide variant.
Coding change: c.3162C>T on transcript NM_018263.6 (MANE Select); coding-DNA position 3162, C replaced by T.
Protein change: p.Tyr1054=; no amino-acid change (tyrosine 1054 retained).
Molecular consequence: synonymous variant.
Genome position (GRCh38, 1-based): chr2:25,743,175, G>A on the plus strand (C>T on the coding strand, the complement: ASXL2 is on the minus strand). VCF-style: chr2-25743175-G-A. GRCh37 (hg19) VCF-style: chr2-25966044-G-A.
Other names: c.2988C>T, p.Tyr996= (NM_001369346.1); c.2382C>T, p.Tyr794= (NM_001369347.1).
Identifiers: ClinVar variation 3047093 (VCV003047093.2), dbSNP rs1475770803, ClinGen allele CA425354749.

ClinVar aggregate classification (germline): Likely benign (0 of 4 stars; one submission).

Conditions:
ASXL2-related disorder. Also called: ASXL2-related condition.

Allele frequency attached by ClinVar (database versions not stated): gnomAD 0.00001.
gnomAD v4.1: 1 of 1,613,874 alleles (0.000062%); highest among the groups gnomAD compares: African/African-American, 0.0013%; no homozygotes.

Submission:

PreventionGenetics, part of Exact Sciences
Classification: Likely benign for ASXL2-related condition. Last evaluated: 2020-03-17. Review status: no assertion criteria provided. Collection method: clinical testing. Allele origin: germline.
Comment: This variant is classified as likely benign based on ACMG/AMP sequence variant interpretation guidelines (Richards et al. 2015 PMID: 25741868, with internal and published modifications).